The following is an entry in ClinVar:

ClinVar aggregate classification (germline): Uncertain significance (1 of 4 stars; one submission).

gnomAD v4.1: 1 of 1,610,304 alleles (0.000062%); highest among the groups gnomAD compares: East Asian, 0.0022%; no homozygotes.

Submission:

Ambry Genetics
Classification: Uncertain significance. Last evaluated: 2024-09-06. Review status: criteria provided, single submitter. Criteria: Ambry Variant Classification Scheme 2023. Collection method: clinical testing. Allele origin: germline.
Comment: The p.T209A variant (also known as c.625A>G), located in coding exon 7 of the PRKDC gene, results from an A to G substitution at nucleotide position 625. The threonine at codon 209 is replaced by alanine, an amino acid with similar properties. This amino acid position is conserved. In addition, this alteration is predicted to be tolerated by in silico analysis. Based on the available evidence, the clinical significance of this variant remains unclear.

NM_006904.7(PRKDC):c.625A>G (p.Thr209Ala)

Gene: PRKDC (protein kinase, DNA-activated, catalytic subunit; minus strand). Cytogenetic location: 8q11.21.
Variant type: single nucleotide variant.
Coding change: c.625A>G on transcript NM_006904.7 (MANE Select); coding-DNA position 625, A replaced by G.
Protein change: p.Thr209Ala; replaces threonine 209 with alanine.
Molecular consequence: missense variant.
Genome position (GRCh38, 1-based): chr8:47,953,716, T>C on the plus strand (A>G on the coding strand, the complement: PRKDC is on the minus strand). VCF-style: chr8-47953716-T-C. GRCh37 (hg19) VCF-style: chr8-48866276-T-C.
Other names: c.625A>G, p.Thr209Ala (NM_001081640.2); short protein forms T209A.
Identifiers: ClinVar variation 3425325 (VCV003425325.1).